The following is an entry in ClinVar:

NM_001379500.1(COL18A1):c.1059G>A (p.Arg353=)

Gene: COL18A1 (collagen type XVIII alpha 1 chain; plus strand). Cytogenetic location: 21q22.3.
Variant type: single nucleotide variant.
Coding change: c.1059G>A on transcript NM_001379500.1 (MANE Select); coding-DNA position 1059, G replaced by A.
Protein change: p.Arg353=; no amino-acid change (arginine 353 retained).
Molecular consequence: synonymous variant.
Genome position (GRCh38, 1-based): chr21:45,477,803, G>A. VCF-style: chr21-45477803-G-A. GRCh37 (hg19) VCF-style: chr21-46897717-G-A.
Other names: NM_130445.2:c.1059G>A; c.1599G>A (NM_030582.3); c.1599G>A, p.Arg533= (NM_030582.4); c.2304G>A, p.Arg768= (NM_130444.3).
Identifiers: ClinVar variation 340212 (VCV000340212.14), dbSNP rs886057123, ClinGen allele CA10653042.

ClinVar aggregate classification (germline): Conflicting classifications of pathogenicity. Review status: criteria provided, conflicting classifications (1 of 4 stars). 3 submissions from 3 submitters: Uncertain significance (1); Likely benign (1). 1 of the submissions does not count toward it. Last evaluated 2025-08-30.

Conditions:
Knobloch syndrome (KNO). Also called: RETINAL DETACHMENT AND OCCIPITAL ENCEPHALOCELE; Myopia retinal detachment encephalocele. Identifiers: Orphanet 1571, MedGen C1849409, MONDO:0800166.
COL18A1-related disorder. Also called: COL18A1-related disorders; COL18A1-related condition.

Allele frequency attached by ClinVar (database versions not stated): gnomAD exomes below 0.00001 and 0.00003; gnomAD 0.00001; TOPMed 0.00001.
gnomAD v4.1: 6 of 1,549,672 alleles (0.00039%); highest among the groups gnomAD compares: East Asian, 0.012%; no homozygotes.

Submissions (3):

Labcorp Genetics (formerly Invitae), Labcorp
Classification: Likely benign. Last evaluated: 2025-08-30. Review status: criteria provided, single submitter. Criteria: Invitae Variant Classification Sherloc (09022015). Collection method: clinical testing. Allele origin: germline.

Illumina Laboratory Services, Illumina
Classification: Uncertain significance for Knobloch syndrome 1. Last evaluated: 2018-01-13. Review status: criteria provided, single submitter. Criteria: ICSL Variant Classification Criteria 13 December 2019. Collection method: clinical testing. Allele origin: germline.

PreventionGenetics, part of Exact Sciences
Classification: Likely benign for COL18A1-related condition. Last evaluated: 2019-11-19. Review status: no assertion criteria provided. Collection method: clinical testing. Allele origin: germline. Not counted in ClinVar's aggregate classification.
Comment: This variant is classified as likely benign based on ACMG/AMP sequence variant interpretation guidelines (Richards et al. 2015 PMID: 25741868, with internal and published modifications).